The following is an entry in ClinVar:

ClinVar aggregate classification (germline): Uncertain significance (1 of 4 stars; one submission).

Conditions:
Hereditary cancer-predisposing syndrome. Also called: Neoplastic Syndromes, Hereditary; Tumor predisposition; Hereditary neoplastic syndrome; Hereditary Cancer Syndrome. Identifiers: Orphanet 140162, MedGen C0027672, MeSH D009386, MONDO:0015356.

Submission:

Ambry Genetics
Classification: Uncertain significance for Hereditary cancer-predisposing syndrome. Last evaluated: 2026-06-26. Review status: criteria provided, single submitter. Criteria: Ambry Variant Classification Scheme 2023. Collection method: clinical testing. Allele origin: germline.
Comment: The p.V407I variant (also known as c.1219G>A), located in coding exon 7 of the KIT gene, results from a G to A substitution at nucleotide position 1219. The valine at codon 407 is replaced by isoleucine, an amino acid with highly similar properties. This amino acid position is conserved. In addition, this alteration is predicted to be tolerated by in silico analysis. Based on the available evidence, the clinical significance of this variant remains unclear.

NM_000222.3(KIT):c.1219G>A (p.Val407Ile)

Gene: KIT (KIT proto-oncogene, receptor tyrosine kinase; plus strand). Cytogenetic location: 4q12.
Variant type: single nucleotide variant.
Coding change: c.1219G>A on transcript NM_000222.3 (MANE Select); coding-DNA position 1219, G replaced by A.
Protein change: p.Val407Ile; replaces valine 407 with isoleucine.
Molecular consequence: missense variant.
Genome position (GRCh38, 1-based): chr4:54,709,527, G>A. VCF-style: chr4-54709527-G-A. GRCh37 (hg19) VCF-style: chr4-55575693-G-A.
Other names: c.1219G>A, p.Val407Ile (NM_001093772.2, NM_001385285.1, NM_001385286.1); c.1222G>A, p.Val408Ile (NM_001385284.1, NM_001385288.1, NM_001385290.1 and 1 more transcripts); short protein forms V408I, V407I.
Identifiers: ClinVar variation 5023296 (VCV005023296.1).